The following is an entry in ClinVar:

NM_025219.3(DNAJC5):c.45A>G (p.Ser15=)

Gene: DNAJC5 (DnaJ heat shock protein family (Hsp40) member C5; plus strand). Cytogenetic location: 20q13.33.
Variant type: single nucleotide variant.
Coding change: c.45A>G on transcript NM_025219.3 (MANE Select); coding-DNA position 45, A replaced by G.
Protein change: p.Ser15=; no amino-acid change (serine 15 retained).
Molecular consequence: synonymous variant.
Genome position (GRCh38, 1-based): chr20:63,928,390, A>G. VCF-style: chr20-63928390-A-G. GRCh37 (hg19) VCF-style: chr20-62559743-A-G.
Other names: p.S15S:TCA>TCG; p.Ser15=.
Identifiers: ClinVar variation 205364 (VCV000205364.66), dbSNP rs144141585, ClinGen allele CA314370.

ClinVar aggregate classification (germline): Benign/Likely benign. Review status: criteria provided, multiple submitters, no conflicts (2 of 4 stars). 8 submissions from 8 submitters: Benign (4); Likely benign (4). Last evaluated 2026-02-03.

Conditions:
DNAJC5-related disorder. Also called: DNAJC5-related condition.
Inborn genetic diseases. Identifiers: MedGen C0950123, MeSH D030342.
Ceroid lipofuscinosis, neuronal, 4 (Kufs type) (CLN4). Also called: Neuronal ceroid lipofuscinosis 4B; Ceroid lipofuscinosis, neuronal, 4, Parry type. Identifiers: Orphanet 228343, Orphanet 79262, MedGen C1834207, MONDO:0008083, OMIM 162350.
Neuronal ceroid lipofuscinosis. Also called: Neuronal Ceroid Lipofuscinoses. Identifiers: Orphanet 216, Orphanet 79263, MedGen C0027877, MONDO:0016295. Disease mechanism: loss of function.

Allele frequency attached by ClinVar (database versions not stated): TOPMed 0.00054; gnomAD 0.00062 and 0.00066; ESP Exome Variant Server 0.00069; ExAC 0.00092; gnomAD exomes 0.00110.
gnomAD v4.1: 831 of 1,613,948 alleles (0.051%); highest among the groups gnomAD compares: Non-Finnish European, 0.0082%; 7 homozygotes.

Submissions (8):

Labcorp Genetics (formerly Invitae), Labcorp
Classification: Benign for Neuronal ceroid lipofuscinosis. Last evaluated: 2026-02-03. Review status: criteria provided, single submitter. Criteria: Invitae Variant Classification Sherloc (09022015). Collection method: clinical testing. Allele origin: germline.

CeGaT Center for Human Genetics Tuebingen
Classification: Likely benign. Last evaluated: 2025-11-01. Review status: criteria provided, single submitter. Criteria: CeGaT Center For Human Genetics Tuebingen Variant Classification Criteria Version 2. Collection method: clinical testing. Allele origin: germline. Affected: yes. Observed: 1 variant allele.
Comment: DNAJC5: BP4, BP7

PreventionGenetics, part of Exact Sciences
Classification: Benign for DNAJC5-related condition. Last evaluated: 2025-10-19. Review status: criteria provided, single submitter. Criteria: ACMG Guidelines, 2015. Collection method: clinical testing. Allele origin: germline.
Comment: This variant is classified as benign based on ACMG/AMP sequence variant interpretation guidelines (Richards et al. 2015 PMID: 25741868, with internal and published modifications).

Blueprint Genetics
Classification: Likely benign. Last evaluated: 2024-10-17. Review status: criteria provided, single submitter. Criteria: ACMG Guidelines, 2015. Collection method: clinical testing. Allele origin: germline.

Mayo Clinic Laboratories, Mayo Clinic
Classification: Likely benign. Last evaluated: 2024-03-13. Review status: criteria provided, single submitter. Criteria: ACMG Guidelines, 2015. Collection method: clinical testing. Allele origin: germline. Observed: 2 variant alleles.
Comment: BS1, BP4, BP7

Illumina Laboratory Services, Illumina
Classification: Benign for Ceroid lipofuscinosis, neuronal, 4 (Kufs type). Last evaluated: 2018-01-12. Review status: criteria provided, single submitter. Criteria: ICSL Variant Classification Criteria 13 December 2019. Collection method: clinical testing. Allele origin: germline.
Comment: This variant was observed in the ICSL laboratory as part of a predisposition screen in an ostensibly healthy population. It had not been previously curated by ICSL or reported in the Human Gene Mutation Database (HGMD: prior to June 1st, 2018), and was therefore a candidate for classification through an automated scoring system. Utilizing variant allele frequency, disease prevalence and penetrance estimates, and inheritance mode, an automated score was calculated to assess if this variant is too frequent to cause the disease. Based on the score and internal cut-off values, a variant classified as benign is not then subjected to further curation. The score for this variant resulted in a classification of benign for this disease.

Ambry Genetics
Classification: Likely benign for Inborn genetic diseases. Last evaluated: 2016-07-28. Review status: criteria provided, single submitter. Criteria: Ambry Variant Classification Scheme 2023. Collection method: clinical testing. Allele origin: germline.

GeneDx
Classification: Benign. Last evaluated: 2014-07-11. Review status: criteria provided, single submitter. Criteria: GeneDx Variant Classification (06012015). Collection method: clinical testing. Allele origin: germline. Affected: yes.
Comment: This variant is considered likely benign or benign based on one or more of the following criteria: it is a conservative change, it occurs at a poorly conserved position in the protein, it is predicted to be benign by multiple in silico algorithms, and/or has population frequency not consistent with disease.